The following is an entry in ClinVar:

NM_001130965.3(SUN1):c.1754C>T (p.Ala585Val)

Gene: SUN1 (Sad1 and UNC84 domain containing 1; plus strand). Cytogenetic location: 7p22.3.
Variant type: single nucleotide variant.
Coding change: c.1754C>T on transcript NM_001130965.3 (MANE Select); coding-DNA position 1754, C replaced by T.
Protein change: p.Ala585Val; replaces alanine 585 with valine.
Molecular consequence: missense variant. On other transcripts: non-coding transcript variant (3).
Genome position (GRCh38, 1-based): chr7:860,357, C>T. VCF-style: chr7-860357-C-T. GRCh37 (hg19) VCF-style: chr7-899994-C-T.
Other names: c.1445C>T, p.Ala482Val (NM_001171944.2); c.1754C>T, p.Ala585Val (NM_001367633.1, NM_001367634.1, NM_001367653.1); c.1403C>T, p.Ala468Val (NM_001367635.1); c.1994C>T, p.Ala665Val (NM_001367636.1, NM_001367691.1); c.1862C>T, p.Ala621Val (NM_001367638.1); c.1295C>T, p.Ala432Val (NM_001367639.1); c.1934C>T, p.Ala645Val (NM_001367640.1); c.2036C>T, p.Ala679Val (NM_001367641.1, NM_001367682.1); and 43 more; short protein forms A585V, A396V, A468V, A482V, A502V, A529V, A535V, A552V.
Identifiers: ClinVar variation 461643 (VCV000461643.10), dbSNP rs377135952, ClinGen allele CA4112348.

ClinVar aggregate classification (germline): Uncertain significance. Review status: criteria provided, multiple submitters, no conflicts (2 of 4 stars). 2 submissions from 2 submitters: Uncertain significance (2). Last evaluated 2025-12-18.

Conditions:
Emery-Dreifuss muscular dystrophy (EDMD). Also called: Scapuloperoneal syndrome, X-linked (formerly); Humeroperoneal neuromuscular disease, (formerly). Identifiers: Orphanet 261, MedGen C0410189, MONDO:0016830.

Allele frequency attached by ClinVar (database versions not stated): ExAC 0.00009; gnomAD exomes 0.00009 and 0.00017; gnomAD 0.00014 and 0.00015; TOPMed 0.00027.
gnomAD v4.1: 167 of 1,613,776 alleles (0.01%); highest among the groups gnomAD compares: Admixed American, 0.058%; no homozygotes.

Submissions (3):

Labcorp Genetics (formerly Invitae), Labcorp
Classification: Uncertain significance for Emery-Dreifuss muscular dystrophy. Last evaluated: 2025-12-18. Review status: criteria provided, single submitter. Criteria: Invitae Variant Classification Sherloc (09022015). Collection method: clinical testing. Allele origin: germline.
Comment: This sequence change replaces alanine, which is neutral and non-polar, with valine, which is neutral and non-polar, at codon 585 of the SUN1 protein (p.Ala585Val). This variant is present in population databases (rs377135952, gnomAD 0.05%). This variant has not been reported in the literature in individuals affected with SUN1-related conditions. ClinVar contains an entry for this variant (Variation ID: 461643). An algorithm developed to predict the effect of missense changes on protein structure and function outputs the following: PolyPhen-2: "Benign". The valine amino acid residue is found in multiple mammalian species, which suggests that this missense change does not adversely affect protein function. In summary, the available evidence is currently insufficient to determine the role of this variant in disease. Therefore, it has been classified as a Variant of Uncertain Significance.

Ambry Genetics
Classification: Uncertain significance. Last evaluated: 2024-03-04. Review status: criteria provided, single submitter. Criteria: Ambry Variant Classification Scheme 2023. Collection method: clinical testing. Allele origin: germline.

Dr. Peter K. Rogan Lab, Western University
No classification provided (evidence only). Condition: Colon adenocarcinoma. Review status: no classification provided. Collection method: in vitro. Allele origin: not applicable. Functional consequence: retained intron. Not counted in ClinVar's aggregate classification.